The following is an entry in ClinVar:

ClinVar aggregate classification (germline): Likely benign (1 of 4 stars; one submission).

Allele frequency attached by ClinVar (database versions not stated): gnomAD 0.00001; ExAC 0.00002.
gnomAD v4.1: 17 of 1,614,036 alleles (0.0011%); highest among the groups gnomAD compares: Non-Finnish European, 0.0014%; no homozygotes.

Submission:

CeGaT Center for Human Genetics Tuebingen
Classification: Likely benign. Last evaluated: 2023-06-01. Review status: criteria provided, single submitter. Criteria: CeGaT Center For Human Genetics Tuebingen Variant Classification Criteria Version 2. Collection method: clinical testing. Allele origin: germline. Affected: yes. Observed: 1 variant allele.
Comment: ZNF462: BP4

NM_021224.6(ZNF462):c.2437T>A (p.Ser813Thr)

Gene: ZNF462 (zinc finger protein 462; plus strand). Cytogenetic location: 9q31.2.
Variant type: single nucleotide variant.
Coding change: c.2437T>A on transcript NM_021224.6 (MANE Select); coding-DNA position 2437, T replaced by A.
Protein change: p.Ser813Thr; replaces serine 813 with threonine.
Molecular consequence: missense variant.
Genome position (GRCh38, 1-based): chr9:106,926,349, T>A. VCF-style: chr9-106926349-T-A. GRCh37 (hg19) VCF-style: chr9-109688630-T-A.
Other names: c.2437T>A, p.Ser813Thr (NM_001347997.2); short protein forms S813T.
Identifiers: ClinVar variation 2659372 (VCV002659372.24), dbSNP rs770175936, ClinGen allele CA5171495.